The following is an entry in ClinVar:

ClinVar aggregate classification (germline): Uncertain significance. Review status: criteria provided, multiple submitters, no conflicts (2 of 4 stars). 4 submissions from 4 submitters: Uncertain significance (3). 1 of the submissions does not count toward it. Last evaluated 2025-08-04.

Conditions:
Retinitis pigmentosa 26 (RP26). Identifiers: Orphanet 791, MedGen C1842127, MONDO:0012024, OMIM 608380.
Inborn genetic diseases. Identifiers: MedGen C0950123, MeSH D030342.

Allele frequency attached by ClinVar (database versions not stated): gnomAD 0.00001; TOPMed 0.00001.

Submissions (4):

Ambry Genetics
Classification: Uncertain significance for Inborn genetic diseases. Last evaluated: 2025-08-04. Review status: criteria provided, single submitter. Criteria: Ambry Variant Classification Scheme 2023. Collection method: clinical testing. Allele origin: germline.

Labcorp Genetics (formerly Invitae), Labcorp
Classification: Uncertain significance. Last evaluated: 2021-12-20. Review status: criteria provided, single submitter. Criteria: Invitae Variant Classification Sherloc (09022015). Collection method: clinical testing. Allele origin: germline.
Comment: This sequence change replaces leucine, which is neutral and non-polar, with valine, which is neutral and non-polar, at codon 122 of the CERKL protein (p.Leu122Val). This variant is present in population databases (rs754571046, gnomAD 0.02%). This variant has not been reported in the literature in individuals affected with CERKL-related conditions. ClinVar contains an entry for this variant (Variation ID: 1047351). Algorithms developed to predict the effect of missense changes on protein structure and function (SIFT, PolyPhen-2, Align-GVGD) all suggest that this variant is likely to be tolerated. In summary, the available evidence is currently insufficient to determine the role of this variant in disease. Therefore, it has been classified as a Variant of Uncertain Significance.

Blueprint Genetics
Classification: Uncertain significance. Last evaluated: 2020-02-28. Review status: criteria provided, single submitter. Criteria: ACMG Guidelines, 2015. Collection method: clinical testing. Allele origin: germline.

Natera, Inc.
Classification: Uncertain significance for Retinitis Pigmentosa 26. Last evaluated: 2021-09-28. Review status: no assertion criteria provided. Collection method: clinical testing. Allele origin: germline. Not counted in ClinVar's aggregate classification.

NM_201548.5(CERKL):c.364C>G (p.Leu122Val)

Gene: CERKL (CERK like autophagy regulator; minus strand). Cytogenetic location: 2q31.3.
Variant type: single nucleotide variant.
Coding change: c.364C>G on transcript NM_201548.5 (MANE Select); coding-DNA position 364, C replaced by G.
Protein change: p.Leu122Val; replaces leucine 122 with valine.
Molecular consequence: missense variant. On other transcripts: non-coding transcript variant (2).
Genome position (GRCh38, 1-based): chr2:181,603,954, G>C on the plus strand (C>G on the coding strand, the complement: CERKL is on the minus strand). VCF-style: chr2-181603954-G-C. GRCh37 (hg19) VCF-style: chr2-182468681-G-C.
Other names: c.364C>G, p.Leu122Val (NM_001030311.3, NM_001030312.3, NM_001030313.3 and 1 more transcripts); c.364C>G (NM_001030311.2); short protein forms L122V.
Identifiers: ClinVar variation 1047351 (VCV001047351.9), dbSNP rs754571046, ClinGen allele CA2010858.